The following is an entry in ClinVar:

NM_000393.5(COL5A2):c.379A>C (p.Ile127Leu)

Gene: COL5A2 (collagen type V alpha 2 chain; minus strand). Cytogenetic location: 2q32.2.
Variant type: single nucleotide variant.
Coding change: c.379A>C on transcript NM_000393.5 (MANE Select); coding-DNA position 379, A replaced by C.
Protein change: p.Ile127Leu; replaces isoleucine 127 with leucine.
Molecular consequence: missense variant.
Genome position (GRCh38, 1-based): chr2:189,098,750, T>G on the plus strand (A>C on the coding strand, the complement: COL5A2 is on the minus strand). VCF-style: chr2-189098750-T-G. GRCh37 (hg19) VCF-style: chr2-189963476-T-G.
Other names: short protein forms I127L.
Identifiers: ClinVar variation 577525 (VCV000577525.9), dbSNP rs1064795177, ClinGen allele CA349863960.
Genomic context (GRCh38, chr2:189,098,750, plus strand): 5'-TACAAGAGTACCAAGAATATTGGGAGAAACTACTTACTGCCGGTCCTGGACGACCACGTA[T>G]GCCTGTTACCTAAACAATAAACAAGAAAATTTGTAAAGGTAAAGTTTCTGCAGATATTCA-3'
Protein context (NP_000384.2, residues 117-137): EPGLVPVVTG[Ile127Leu]RGRPGPAGPP

ClinVar aggregate classification (germline): Uncertain significance. Review status: criteria provided, multiple submitters, no conflicts (2 of 4 stars). 2 submissions from 2 submitters: Uncertain significance (2). Last evaluated 2025-08-05.

Conditions:
Ehlers-Danlos syndrome, classic type, 1 (EDSCL1). Also called: Ehlers-Danlos Syndrome, Classic Type, COL5A1-Related; EDS I; Ehlers-Danlos syndrome, type 1; EHLERS-DANLOS SYNDROME, GRAVIS TYPE; EHLERS-DANLOS SYNDROME, SEVERE CLASSIC TYPE. Identifiers: MedGen C0268335, MONDO:0019567, OMIM 130000.
Familial thoracic aortic aneurysm and aortic dissection (TAAD). Also called: Thoracic aortic aneurysms and dissections. Identifiers: Orphanet 91387, MedGen C4707243, MONDO:0019625.

gnomAD v4.1: 2 of 1,613,172 alleles (0.00012%); highest among the groups gnomAD compares: Non-Finnish European, 0.00017%; no homozygotes.

Submissions (2):

Ambry Genetics
Classification: Uncertain significance for Familial thoracic aortic aneurysm and aortic dissection. Last evaluated: 2025-08-05. Review status: criteria provided, single submitter. Criteria: Ambry Variant Classification Scheme 2023. Collection method: clinical testing. Allele origin: germline.
Comment: The p.I127L variant (also known as c.379A>C), located in coding exon 5 of the COL5A2 gene, results from an A to C substitution at nucleotide position 379. The isoleucine at codon 127 is replaced by leucine, an amino acid with highly similar properties. This variant has been reported in subject with hypermobility and aortic root dilation (Rashed ER et al. Vasc Med, 2022 Jun;27:283-289). This amino acid position is highly conserved in available vertebrate species. In addition, this alteration is predicted to be tolerated by in silico analysis. Based on the available evidence, the clinical significance of this variant remains unclear.

Labcorp Genetics (formerly Invitae), Labcorp
Classification: Uncertain significance for Ehlers-Danlos syndrome, classic type, 1. Last evaluated: 2021-09-02. Review status: criteria provided, single submitter. Criteria: Invitae Variant Classification Sherloc (09022015). Collection method: clinical testing. Allele origin: germline.
Comment: In summary, the available evidence is currently insufficient to determine the role of this variant in disease. Therefore, it has been classified as a Variant of Uncertain Significance. Algorithms developed to predict the effect of missense changes on protein structure and function are either unavailable or do not agree on the potential impact of this missense change (SIFT: "Tolerated"; PolyPhen-2: "Possibly Damaging"; Align-GVGD: "Class C0"). This variant has not been reported in the literature in individuals affected with COL5A2-related conditions. This variant is not present in population databases (ExAC no frequency). This sequence change replaces isoleucine with leucine at codon 127 of the COL5A2 protein (p.Ile127Leu). The isoleucine residue is highly conserved and there is a small physicochemical difference between isoleucine and leucine.

Literature cited by the submitters: PubMed 35000503 (cited by Ambry Genetics).